The following is an entry in ClinVar:

ClinVar aggregate classification (germline): Uncertain significance. Review status: criteria provided, multiple submitters, no conflicts (2 of 4 stars). 2 submissions from 2 submitters: Uncertain significance (2). Last evaluated 2025-07-31.

Allele frequency attached by ClinVar (database versions not stated): ESP Exome Variant Server 0.00008; TOPMed 0.00008; ExAC 0.00020; gnomAD exomes 0.00028; gnomAD 0.00042.

Submissions (2):

Mayo Clinic Laboratories, Mayo Clinic
Classification: Uncertain significance. Last evaluated: 2025-07-31. Review status: criteria provided, single submitter. Criteria: ACMG Guidelines, 2015. Collection method: clinical testing. Allele origin: germline. Observed: 2 variant alleles.
Comment: BP4

Blueprint Genetics
Classification: Uncertain significance. Last evaluated: 2024-10-24. Review status: criteria provided, single submitter. Criteria: ACMG Guidelines, 2015. Collection method: clinical testing. Allele origin: germline.

NM_177939.3(P4HTM):c.806G>C (p.Ser269Thr)

Gene: P4HTM (prolyl 4-hydroxylase, transmembrane; plus strand). Cytogenetic location: 3p21.31.
Variant type: single nucleotide variant.
Coding change: c.806G>C on transcript NM_177939.3 (MANE Select); coding-DNA position 806, G replaced by C.
Protein change: p.Ser269Thr; replaces serine 269 with threonine.
Molecular consequence: missense variant.
Genome position (GRCh38, 1-based): chr3:49,004,179, G>C. VCF-style: chr3-49004179-G-C. GRCh37 (hg19) VCF-style: chr3-49041612-G-C.
Other names: p.Ser269Thr; c.806G>C, p.Ser269Thr (NM_177938.2); short protein forms S269T.
Identifiers: ClinVar variation 2682831 (VCV002682831.3), dbSNP rs201424554, ClinGen allele CA2388385.